The following is an entry in ClinVar:

NM_173477.5(USH1G):c.607C>T (p.Gln203Ter)

Gene: USH1G (USH1 protein network component sans; minus strand). Cytogenetic location: 17q25.1.
Variant type: single nucleotide variant.
Coding change: c.607C>T on transcript NM_173477.5 (MANE Select); coding-DNA position 607, C replaced by T.
Protein change: p.Gln203Ter; replaces glutamine 203 with a stop codon.
Molecular consequence: nonsense.
Genome position (GRCh38, 1-based): chr17:74,920,229, G>A on the plus strand (C>T on the coding strand, the complement: USH1G is on the minus strand). VCF-style: chr17-74920229-G-A. GRCh37 (hg19) VCF-style: chr17-72916324-G-A.
Other names: c.298C>T, p.Gln100Ter (NM_001282489.3); short protein forms Q100*, Q203*.
Identifiers: ClinVar variation 2429315 (VCV002429315.3), dbSNP rs727504890, ClinGen allele CA400964355.

ClinVar aggregate classification (germline): Likely pathogenic (1 of 4 stars; one submission).

Conditions:
Usher syndrome. Also called: Usher Syndromes; Usher's syndrome. Identifiers: Orphanet 886, MedGen CN469326, MeSH D052245, MONDO:0019501. Disease mechanism: loss of function.

Submission:

Women's Health and Genetics/Laboratory Corporation of America, LabCorp
Classification: Likely pathogenic for Retinitis pigmentosa-deafness syndrome. Last evaluated: 2023-01-21. Review status: criteria provided, single submitter. Criteria: LabCorp Variant Classification Summary - May 2015. Collection method: clinical testing. Allele origin: germline.
Comment: Variant summary: USH1G c.607C>T (p.Gln203X) results in a premature termination codon, predicted to cause a truncation of the encoded protein or absence of the protein due to nonsense mediated decay, which are commonly known mechanisms for disease. Truncations downstream of this position have been classified as pathogenic within ClinVar (e.g. c.1004dup [p.Leu336fs], c.1311del [p.Lys438fs]). The variant was absent in 240550 control chromosomes (gnomAD). To our knowledge, no occurrence of c.607C>T in individuals affected with Usher Syndrome and no experimental evidence demonstrating its impact on protein function have been reported. No clinical diagnostic laboratories have submitted clinical-significance assessments for this variant to ClinVar after 2014. Based on the evidence outlined above, the variant was classified as likely pathogenic.